The following is an entry in ClinVar:

NM_001024630.4(RUNX2):c.1127del (p.Phe376fs)

Gene: RUNX2 (RUNX family transcription factor 2; plus strand). Cytogenetic location: 6p21.1.
Variant type: Deletion.
Coding change: c.1127del on transcript NM_001024630.4 (MANE Select); coding-DNA position 1127, one base deleted (T; older notation c.1127delT).
Protein change: p.Phe376fs; shifts the reading frame from phenylalanine 376.
Molecular consequence: frameshift variant.
Genome position (GRCh38, 1-based): chr6:45,546,866, T deleted; the last of 2 consecutive T bases (chr6:45,546,865-45,546,866); deleting either gives the same sequence. VCF-style (leftmost placement, unchanged base first): chr6-45546864-GT-G. GRCh37 (hg19) VCF-style: chr6-45514601-GT-G.
Other names: c.1061del, p.Phe354fs (NM_001015051.4); c.1019del, p.Phe340fs (NM_001278478.2); c.1085del, p.Phe362fs (NM_001369405.1); c.1085delT, p.Phe362Serfs (NM_004348.3); short protein forms F340fs, F354fs, F362fs, F376fs.
Identifiers: ClinVar variation 2444284 (VCV002444284.1), dbSNP rs2481024368, ClinGen allele CA2580074690.

ClinVar aggregate classification (germline): Likely pathogenic (1 of 4 stars; one submission).

Conditions:
Cleidocranial dysostosis (CLCD1). Also called: Cleidocranial Dysplasia Spectrum Disorder; Marie-Sainton disease; cleidocranial dysplasia 1. Identifiers: Orphanet 1452, MedGen C0008928, MONDO:0007340, OMIM 119600.

Submission:

3billion
Classification: Likely pathogenic for Cleidocranial dysostosis. Last evaluated: 2023-02-23. Review status: criteria provided, single submitter. Criteria: ACMG Guidelines, 2015. Collection method: clinical testing. Allele origin: unknown. Affected: yes.
Comment: The variant is not observed in the gnomAD v2.1.1 dataset. This variant was predicted to result in a loss or disruption of normal protein function through protein truncation. The predicted truncated protein may be shortened by more than 10%. Therefore, this variant is classified as Likely pathogenic according to the recommendation of ACMG/AMP guideline.